The following is an entry in ClinVar:

ClinVar aggregate classification (germline): Uncertain significance (1 of 4 stars; one submission).

Conditions:
Joubert syndrome 15 (JBTS15). Identifiers: Orphanet 475, MedGen C3280897, MONDO:0013763, OMIM 614464.

Submission:

Labcorp Genetics (formerly Invitae), Labcorp
Classification: Uncertain significance for Joubert syndrome 15. Last evaluated: 2024-10-26. Review status: criteria provided, single submitter. Criteria: Invitae Variant Classification Sherloc (09022015). Collection method: clinical testing. Allele origin: germline.
Comment: This variant results in the deletion of part of exon 11 of the CEP41 gene. While this variant is not anticipated to result in nonsense mediated decay, it likely alters RNA splicing and results in a disrupted protein product. This variant is not present in population databases (gnomAD no frequency). This variant has not been reported in the literature in individuals affected with CEP41-related conditions. ClinVar contains an entry for this variant (Variation ID: 848331). Variants that disrupt the consensus splice site are a relatively common cause of aberrant splicing (PMID: 17576681, 9536098). In summary, the available evidence is currently insufficient to determine the role of this variant in disease. Therefore, it has been classified as a Variant of Uncertain Significance.

Literature cited by the submitters: PubMed 17576681; PubMed 9536098.

NM_018718.3(CEP41):c.973+404_1077del

Gene: CEP41 (centrosomal protein 41; minus strand). Cytogenetic location: 7q32.2.
Variant type: Deletion.
Coding change: c.973+404_1077del on transcript NM_018718.3 (MANE Select); 404 bases into the intron after coding-DNA position 973 through coding-DNA position 1077, 700 bases deleted.
Molecular consequence: splice acceptor variant.
Genome position (GRCh38, 1-based): chr7:130,398,936-130,399,635, 700 bases deleted. GRCh37 (hg19): chr7:130,038,779-130,039,478.
Other names: c.710-596_813del (NM_001257159.2); c.758-596_861del (NM_001257158.2).
Identifiers: ClinVar variation 848331 (VCV000848331.5), dbSNP rs1796755672, ClinGen allele CA916082964.